The following is an entry in ClinVar:

NM_000117.3(EMD):c.-140A>G

Gene: EMD (emerin; plus strand). Cytogenetic location: Xq28.
Variant type: single nucleotide variant.
Coding change: c.-140A>G on transcript NM_000117.3 (MANE Select); 140 bases upstream of the start codon, A replaced by G.
Molecular consequence: 5 prime UTR variant.
Genome position (GRCh38, 1-based): chrX:154,379,345, A>G. VCF-style: chrX-154379345-A-G. GRCh37 (hg19) VCF-style: chrX-153607705-A-G.
Identifiers: ClinVar variation 5039504 (VCV005039504.1).

ClinVar aggregate classification (germline): Likely benign (1 of 4 stars; one submission).

gnomAD v4.1: 10 of 607,994 alleles (0.0016%); highest among the groups gnomAD compares: Non-Finnish European, 0.0022%; no homozygotes.

Submission:

CeGaT Center for Human Genetics Tuebingen
Classification: Likely benign. Last evaluated: 2026-08-01. Review status: criteria provided, single submitter. Criteria: CeGaT Center For Human Genetics Tuebingen Variant Classification Criteria Version 2. Collection method: clinical testing. Allele origin: germline. Affected: yes. Observed: 1 variant allele.
Comment: EMD: BS2